The following is an entry in ClinVar:

NM_024577.4(SH3TC2):c.96_99dup (p.Ala34fs)

Gene: SH3TC2 (SH3 domain and tetratricopeptide repeats 2; minus strand). Cytogenetic location: 5q32.
Variant type: Microsatellite.
Coding change: c.96_99dup on transcript NM_024577.4 (MANE Select); coding-DNA positions 96 to 99, 4 bases duplicated (TATA; older notation c.96_99dupTATA).
Protein change: p.Ala34fs; shifts the reading frame from alanine 34.
Molecular consequence: frameshift variant.
Genome position (GRCh38, 1-based): chr5:149,052,194-149,052,197, TATA duplicated on the plus strand (TATA on the coding strand, the reverse complement: SH3TC2 is on the minus strand). VCF-style (leftmost placement, unchanged base first): chr5-149052193-C-CTATA. GRCh37 (hg19) VCF-style: chr5-148431756-C-CTATA.
Other names: short protein forms A34fs.
Identifiers: ClinVar variation 2879417 (VCV002879417.3), dbSNP rs1168949722, ClinGen allele CA563537793.

ClinVar aggregate classification (germline): Pathogenic (1 of 4 stars; one submission).

Conditions:
Charcot-Marie-Tooth disease type 4. Also called: Charcot-Marie-Tooth, Type 4; Charcot-Marie-Tooth disease, type IV. Identifiers: Orphanet 64749, MedGen C4082197, MONDO:0018995.

Submission:

Labcorp Genetics (formerly Invitae), Labcorp
Classification: Pathogenic for Charcot-Marie-Tooth disease type 4. Last evaluated: 2022-12-12. Review status: criteria provided, single submitter. Criteria: Invitae Variant Classification Sherloc (09022015). Collection method: clinical testing. Allele origin: germline.
Comment: For these reasons, this variant has been classified as Pathogenic. Algorithms developed to predict the effect of sequence changes on RNA splicing suggest that this variant may disrupt the consensus splice site. This variant has not been reported in the literature in individuals affected with SH3TC2-related conditions. This variant is present in population databases (no rsID available, gnomAD 0.01%). This sequence change creates a premature translational stop signal (p.Ala34Tyrfs*5) in the SH3TC2 gene. It is expected to result in an absent or disrupted protein product. Loss-of-function variants in SH3TC2 are known to be pathogenic (PMID: 20220177, 27068304).

Literature cited by the submitters: PubMed 20220177; PubMed 27068304.